The following is an entry in ClinVar:

ClinVar aggregate classification (germline): Uncertain significance (1 of 4 stars; one submission).

Conditions:
Hypertrophic cardiomyopathy 1 (CMH1). Also called: MYH7-Related Familial Hypertrophic Cardiomyopathy; Familial hypertrophic cardiomyopathy 1. Identifiers: MedGen C3495498, MONDO:0008647, OMIM 192600.

Allele frequency attached by ClinVar (database versions not stated): gnomAD exomes below 0.00001.
gnomAD v4.1: 1 of 1,613,926 alleles (0.000062%); highest among the groups gnomAD compares: Non-Finnish European, 0.000085%; no homozygotes.

Submission:

Labcorp Genetics (formerly Invitae), Labcorp
Classification: Uncertain significance for Hypertrophic cardiomyopathy 1. Last evaluated: 2023-11-27. Review status: criteria provided, single submitter. Criteria: Invitae Variant Classification Sherloc (09022015). Collection method: clinical testing. Allele origin: germline.
Comment: This sequence change replaces lysine, which is basic and polar, with glutamic acid, which is acidic and polar, at codon 288 of the MYLK2 protein (p.Lys288Glu). This variant is not present in population databases (gnomAD no frequency). This variant has not been reported in the literature in individuals affected with MYLK2-related conditions. An algorithm developed to predict the effect of missense changes on protein structure and function (PolyPhen-2) suggests that this variant is likely to be tolerated. In summary, the available evidence is currently insufficient to determine the role of this variant in disease. Therefore, it has been classified as a Variant of Uncertain Significance.

NM_033118.4(MYLK2):c.862A>G (p.Lys288Glu)

Gene: MYLK2 (myosin light chain kinase 2; plus strand). Cytogenetic location: 20q11.21.
Variant type: single nucleotide variant.
Coding change: c.862A>G on transcript NM_033118.4 (MANE Select); coding-DNA position 862, A replaced by G.
Protein change: p.Lys288Glu; replaces lysine 288 with glutamic acid.
Molecular consequence: missense variant.
Genome position (GRCh38, 1-based): chr20:31,823,566, A>G. VCF-style: chr20-31823566-A-G. GRCh37 (hg19) VCF-style: chr20-30411369-A-G.
Other names: short protein forms K288E.
Identifiers: ClinVar variation 2767830 (VCV002767830.3), dbSNP rs2515454311, ClinGen allele CA408526544.